The following is an entry in ClinVar:

NM_003002.4(SDHD):c.237G>A (p.Leu79=)

Gene: SDHD (succinate dehydrogenase complex subunit D; plus strand). Cytogenetic location: 11q23.1.
Variant type: single nucleotide variant.
Coding change: c.237G>A on transcript NM_003002.4 (MANE Select); coding-DNA position 237, G replaced by A.
Protein change: p.Leu79=; no amino-acid change (leucine 79 retained).
Molecular consequence: synonymous variant. On other transcripts: non-coding transcript variant (1), intron variant (1).
Genome position (GRCh38, 1-based): chr11:112,088,934, G>A. VCF-style: chr11-112088934-G-A. GRCh37 (hg19) VCF-style: chr11-111959658-G-A.
Other names: c.120G>A, p.Leu40= (NM_001276504.2); c.237G>A, p.Leu79= (NM_001276506.2); c.169+961G>A (NM_001276503.2).
Identifiers: ClinVar variation 3904500 (VCV003904500.1).

ClinVar aggregate classification (germline): Benign (1 of 4 stars; one submission).

Conditions:
Pheochromocytoma/paraganglioma syndrome 1. Also called: PARAGANGLIOMAS, FAMILIAL NONCHROMAFFIN, 1; PGL 1; Paragangliomas familial 1; PARAGANGLIOMATA; Paragangliomas 1; Glomus tumors familial 1. Identifiers: Orphanet 29072, MedGen C3494181, MONDO:0008192, OMIM 168000.

Submission:

Myriad Genetics, Inc.
Classification: Benign for Pheochromocytoma/paraganglioma syndrome 1. Last evaluated: 2025-03-17. Review status: criteria provided, single submitter. Criteria: Myriad Autosomal Dominant, Autosomal Recessive and X-Linked Classification Criteria (2023). Collection method: clinical testing. Allele origin: unknown.
Comment: This variant is considered benign. This variant is a silent/synonymous amino acid change and it is not expected to impact splicing.